The following is an entry in ClinVar:

ClinVar aggregate classification (germline): Uncertain significance (1 of 4 stars; one submission).

Conditions:
Hereditary pheochromocytoma and paraganglioma. Also called: Hereditary Paraganglioma-Pheochromocytoma Syndromes; Hereditary paragangliomas and pheochromocytomas; Hereditary pheochromocytoma-paraganglioma. Identifiers: Orphanet 29072, MedGen C4274332, MONDO:0017366.

Submission:

Color Diagnostics, LLC DBA Color Health
Classification: Uncertain significance for Hereditary pheochromocytoma and paraganglioma. Last evaluated: 2025-06-09. Review status: criteria provided, single submitter. Criteria: ACMG Guidelines, 2015. Collection method: clinical testing. Allele origin: germline.
Comment: This missense variant replaces glutamine with leucine at codon 172 of the SDHB protein. Computational prediction suggests that this variant may have deleterious impact on protein structure and function. To our knowledge, functional studies have not been reported for this variant. This variant has not been reported in individuals affected with SDHB-related disorders in the literature. This variant has not been identified in the general population by the Genome Aggregation Database (gnomAD). The available evidence is insufficient to determine the role of this variant in disease conclusively. Therefore, this variant is classified as a Variant of Uncertain Significance.

NM_003000.3(SDHB):c.515A>T (p.Gln172Leu)

Gene: SDHB (succinate dehydrogenase complex iron sulfur subunit B; minus strand). Cytogenetic location: 1p36.13.
Variant type: single nucleotide variant.
Coding change: c.515A>T on transcript NM_003000.3 (MANE Select); coding-DNA position 515, A replaced by T.
Protein change: p.Gln172Leu; replaces glutamine 172 with leucine.
Molecular consequence: missense variant.
Genome position (GRCh38, 1-based): chr1:17,027,774, T>A on the plus strand (A>T on the coding strand, the complement: SDHB is on the minus strand). VCF-style: chr1-17027774-T-A. GRCh37 (hg19) VCF-style: chr1-17354269-T-A.
Other names: c.461A>T, p.Gln154Leu (NM_001407361.1); short protein forms Q154L, Q172L.
Identifiers: ClinVar variation 4758806 (VCV004758806.1).
Genomic context (GRCh38, chr1:17,027,774, plus strand): 5'-TCTTCAGATTGAAACAATAAATAGGGACTAATGACCAGTTTCTCACGCTCTTCTATGGAC[T>A]GCAGATACTGCTGCTTGCCTTCCTGAGATTCATCCTTCTTCTTCAAATAAGGCTCAATGG-3'
Protein context (NP_002991.2, residues 162-182): ESQEGKQQYL[Gln172Leu]SIEEREKLDG